The following is an entry in ClinVar:

ClinVar aggregate classification (germline): Uncertain significance. Review status: criteria provided, multiple submitters, no conflicts (2 of 4 stars). 5 submissions from 5 submitters: Uncertain significance (5). Last evaluated 2026-03-06.

Conditions:
Inborn genetic diseases. Identifiers: MedGen C0950123, MeSH D030342.
Nemaline myopathy 10 (NEM10). Identifiers: MedGen C4015360, MONDO:0014513, OMIM 616165.

Allele frequency attached by ClinVar (database versions not stated): gnomAD exomes below 0.00001; gnomAD 0.00001.

Submissions (5):

GeneDx
Classification: Uncertain significance. Last evaluated: 2026-03-06. Review status: criteria provided, single submitter. Criteria: GeneDx Variant Classification Process June 2021. Collection method: clinical testing. Allele origin: germline.
Comment: Not observed at significant frequency in large population cohorts (gnomAD); In silico analysis supports that this missense variant has a deleterious effect on protein structure/function; Has not been previously published as pathogenic or benign to our knowledge

Ambry Genetics
Classification: Uncertain significance for Inborn genetic diseases. Last evaluated: 2024-05-10. Review status: criteria provided, single submitter. Criteria: Ambry Variant Classification Scheme 2023. Collection method: clinical testing. Allele origin: germline.

Blueprint Genetics
Classification: Uncertain significance. Last evaluated: 2023-08-10. Review status: criteria provided, single submitter. Criteria: ACMG Guidelines, 2015. Collection method: clinical testing. Allele origin: germline.

Labcorp Genetics (formerly Invitae), Labcorp
Classification: Uncertain significance for Nemaline myopathy 10. Last evaluated: 2022-04-18. Review status: criteria provided, single submitter. Criteria: Invitae Variant Classification Sherloc (09022015). Collection method: clinical testing. Allele origin: germline.
Comment: This sequence change replaces glutamine, which is neutral and polar, with glutamic acid, which is acidic and polar, at codon 405 of the LMOD3 protein (p.Gln405Glu). This variant is present in population databases (no rsID available, gnomAD 0.007%). This variant has not been reported in the literature in individuals affected with LMOD3-related conditions. ClinVar contains an entry for this variant (Variation ID: 1032593). Algorithms developed to predict the effect of missense changes on protein structure and function (SIFT, PolyPhen-2, Align-GVGD) all suggest that this variant is likely to be disruptive. In summary, the available evidence is currently insufficient to determine the role of this variant in disease. Therefore, it has been classified as a Variant of Uncertain Significance.

Baylor Genetics
Classification: Uncertain significance for Nemaline myopathy 10. Last evaluated: 2018-09-21. Review status: criteria provided, single submitter. Criteria: ACMG Guidelines, 2015. Collection method: clinical testing. Allele origin: maternal. Affected: yes.
Comment: This variant was determined to be of uncertain significance according to ACMG Guidelines, 2015 [PMID:25741868].

NM_198271.5(LMOD3):c.1213C>G (p.Gln405Glu)

Gene: LMOD3 (leiomodin 3; minus strand). Cytogenetic location: 3p14.1.
Variant type: single nucleotide variant.
Coding change: c.1213C>G on transcript NM_198271.5 (MANE Select); coding-DNA position 1213, C replaced by G.
Protein change: p.Gln405Glu; replaces glutamine 405 with glutamic acid.
Molecular consequence: missense variant.
Genome position (GRCh38, 1-based): chr3:69,119,142, G>C on the plus strand (C>G on the coding strand, the complement: LMOD3 is on the minus strand). VCF-style: chr3-69119142-G-C. GRCh37 (hg19) VCF-style: chr3-69168293-G-C.
Other names: c.1213C>G, p.Gln405Glu (NM_001304418.3); c.1213C>G (NM_198271.4); short protein forms Q405E.
Identifiers: ClinVar variation 1032593 (VCV001032593.5), dbSNP rs920889036, ClinGen allele CA76452609.